The following is an entry in ClinVar:

NM_024753.5(TTC21B):c.1103A>C (p.Gln368Pro)

Gene: TTC21B (tetratricopeptide repeat domain 21B; minus strand). Cytogenetic location: 2q24.3.
Variant type: single nucleotide variant.
Coding change: c.1103A>C on transcript NM_024753.5 (MANE Select); coding-DNA position 1103, A replaced by C.
Protein change: p.Gln368Pro; replaces glutamine 368 with proline.
Molecular consequence: missense variant.
Genome position (GRCh38, 1-based): chr2:165,929,732, T>G on the plus strand (A>C on the coding strand, the complement: TTC21B is on the minus strand). VCF-style: chr2-165929732-T-G. GRCh37 (hg19) VCF-style: chr2-166786242-T-G.
Other names: short protein forms Q368P.
Identifiers: ClinVar variation 1306712 (VCV001306712.3), dbSNP rs2105343927, ClinGen allele CA349066321.

ClinVar aggregate classification (germline): Uncertain significance. Review status: criteria provided, multiple submitters, no conflicts (2 of 4 stars). 2 submissions from 2 submitters: Uncertain significance (2). Last evaluated 2024-12-27.

Conditions:
TTC21B-related disorder. Also called: TTC21B-related condition; TTC21B-related disorders.

Allele frequency attached by ClinVar (database versions not stated): gnomAD exomes below 0.00001.
gnomAD v4.1: 1 of 1,611,266 alleles (0.000062%); highest among the groups gnomAD compares: Non-Finnish European, 0.000085%; no homozygotes.

Submissions (2):

PreventionGenetics, part of Exact Sciences
Classification: Uncertain significance for TTC21B-related condition. Last evaluated: 2024-12-27. Review status: criteria provided, single submitter. Criteria: ACMG Guidelines, 2015. Collection method: clinical testing. Allele origin: germline.
Comment: The TTC21B c.1103A>C variant is predicted to result in the amino acid substitution p.Gln368Pro. To our knowledge, this variant has not been reported in the literature or in a large population database (gnomAD), indicating this variant is rare. At this time, the clinical significance of this variant is uncertain due to the absence of conclusive functional and genetic evidence.

GeneDx
Classification: Uncertain significance. Last evaluated: 2019-06-25. Review status: criteria provided, single submitter. Criteria: GeneDx Variant Classification Process June 2021. Collection method: clinical testing. Allele origin: germline. Affected: yes.
Comment: Not observed in large population cohorts (Lek et al., 2016); In silico analysis, which includes protein predictors and evolutionary conservation, supports a deleterious effect; Has not been previously published as pathogenic or benign to our knowledge